The following is an entry in ClinVar:

NM_001939.3(DRP2):c.296C>G (p.Ala99Gly)

Gene: DRP2 (dystrophin related protein 2; plus strand). Cytogenetic location: Xq22.1.
Variant type: single nucleotide variant.
Coding change: c.296C>G on transcript NM_001939.3 (MANE Select); coding-DNA position 296, C replaced by G.
Protein change: p.Ala99Gly; replaces alanine 99 with glycine.
Molecular consequence: missense variant.
Genome position (GRCh38, 1-based): chrX:101,237,633, C>G. VCF-style: chrX-101237633-C-G. GRCh37 (hg19) VCF-style: chrX-100492622-C-G.
Other names: c.62C>G, p.Ala21Gly (NM_001171184.2); short protein forms A21G, A99G.
Identifiers: ClinVar variation 4763638 (VCV004763638.1).

ClinVar aggregate classification (germline): Uncertain significance (1 of 4 stars; one submission).

Submission:

Labcorp Genetics (formerly Invitae), Labcorp
Classification: Uncertain significance. Last evaluated: 2025-04-18. Review status: criteria provided, single submitter. Criteria: Invitae Variant Classification Sherloc (09022015). Collection method: clinical testing. Allele origin: germline.
Comment: This sequence change replaces alanine, which is neutral and non-polar, with glycine, which is neutral and non-polar, at codon 99 of the DRP2 protein (p.Ala99Gly). This variant is not present in population databases (gnomAD no frequency). This variant has not been reported in the literature in individuals affected with DRP2-related conditions. Invitae Evidence Modeling of protein sequence and biophysical properties (such as structural, functional, and spatial information, amino acid conservation, physicochemical variation, residue mobility, and thermodynamic stability) indicates that this missense variant is not expected to disrupt DRP2 protein function with a negative predictive value of 80%. In summary, the available evidence is currently insufficient to determine the role of this variant in disease. Therefore, it has been classified as a Variant of Uncertain Significance.